The following is an entry in ClinVar:

ClinVar aggregate classification (germline): Uncertain significance. Review status: criteria provided, multiple submitters, no conflicts (2 of 4 stars). 8 submissions from 6 submitters: Uncertain significance (8). Last evaluated 2025-09-15.

Conditions:
Usher syndrome type 2A. Also called: RETINAL DISEASE IN USHER SYNDROME TYPE IIA, MODIFIER OF; USHER SYNDROME, TYPE IIA. Identifiers: Orphanet 231178, Orphanet 886, MedGen C1848634, MONDO:0010169, OMIM 276901.
Retinitis pigmentosa 39 (RP39). Identifiers: Orphanet 791, MedGen C3151138, MONDO:0013436, OMIM 613809.
Inborn genetic diseases. Identifiers: MedGen C0950123, MeSH D030342.
Retinitis pigmentosa (RP). Identifiers: Orphanet 791, MedGen C0035334, MeSH D012174, MONDO:0019200, OMIM 268000. Inheritance: Autosomal dominant, autosomal recessive and X linked inheritance.
USH2A-related disorder. Also called: USH2A-related disorders; USH2A-related condition. Identifiers: MedGen CN239332.

Allele frequency attached by ClinVar (database versions not stated): gnomAD 0.00001; ExAC 0.00002; gnomAD exomes 0.00002 and 0.00004; TOPMed 0.00002.
gnomAD v4.1: 60 of 1,613,968 alleles (0.0037%); highest among the groups gnomAD compares: Non-Finnish European, 0.0051%; no homozygotes.

Submissions (8):

PreventionGenetics, part of Exact Sciences
Classification: Uncertain significance for USH2A-related condition. Last evaluated: 2025-09-15. Review status: criteria provided, single submitter. Criteria: ACMG Guidelines, 2015. Collection method: clinical testing. Allele origin: germline.
Comment: The USH2A c.2031G>T variant is predicted to result in the amino acid substitution p.Gln677His. To our knowledge, this variant has not been reported in the literature. This variant is reported in 0.0035% of alleles in individuals of European (Non-Finnish) descent in gnomAD. At this time, the clinical significance of this variant is uncertain due to the absence of conclusive functional and genetic evidence.

Ambry Genetics
Classification: Uncertain significance for Inborn genetic diseases. Last evaluated: 2025-03-26. Review status: criteria provided, single submitter. Criteria: Ambry Variant Classification Scheme 2023. Collection method: clinical testing. Allele origin: germline.

Genome-Nilou Lab
Classification: Uncertain significance for Retinitis pigmentosa 39. Last evaluated: 2023-11-04. Review status: criteria provided, single submitter. Criteria: ACMG Guidelines, 2015. Collection method: clinical testing. Allele origin: germline. Affected: no.

Genome-Nilou Lab
Classification: Uncertain significance for Usher syndrome type 2A. Last evaluated: 2023-11-04. Review status: criteria provided, single submitter. Criteria: ACMG Guidelines, 2015. Collection method: clinical testing. Allele origin: germline. Affected: no.

Labcorp Genetics (formerly Invitae), Labcorp
Classification: Uncertain significance. Last evaluated: 2022-10-17. Review status: criteria provided, single submitter. Criteria: Invitae Variant Classification Sherloc (09022015). Collection method: clinical testing. Allele origin: germline.
Comment: This sequence change replaces glutamine, which is neutral and polar, with histidine, which is basic and polar, at codon 677 of the USH2A protein (p.Gln677His). This variant is present in population databases (rs753305011, gnomAD 0.004%). This variant has not been reported in the literature in individuals affected with USH2A-related conditions. ClinVar contains an entry for this variant (Variation ID: 874386). Advanced modeling of protein sequence and biophysical properties (such as structural, functional, and spatial information, amino acid conservation, physicochemical variation, residue mobility, and thermodynamic stability) performed at Invitae indicates that this missense variant is not expected to disrupt USH2A protein function. In summary, the available evidence is currently insufficient to determine the role of this variant in disease. Therefore, it has been classified as a Variant of Uncertain Significance.

Blueprint Genetics
Classification: Uncertain significance. Last evaluated: 2021-08-13. Review status: criteria provided, single submitter. Criteria: ACMG Guidelines, 2015. Collection method: clinical testing. Allele origin: germline.

Illumina Laboratory Services, Illumina
Classification: Uncertain significance for Usher syndrome type 2A. Last evaluated: 2018-01-12. Review status: criteria provided, single submitter. Criteria: ICSL Variant Classification Criteria 13 December 2019. Collection method: clinical testing. Allele origin: germline.

Illumina Laboratory Services, Illumina
Classification: Uncertain significance for Retinitis pigmentosa. Last evaluated: 2018-01-12. Review status: criteria provided, single submitter. Criteria: ICSL Variant Classification Criteria 13 December 2019. Collection method: clinical testing. Allele origin: germline.

NM_206933.4(USH2A):c.2031G>T (p.Gln677His)

Gene: USH2A (usherin; minus strand). Cytogenetic location: 1q41.
Variant type: single nucleotide variant.
Coding change: c.2031G>T on transcript NM_206933.4 (MANE Select); coding-DNA position 2031, G replaced by T.
Protein change: p.Gln677His; replaces glutamine 677 with histidine.
Molecular consequence: missense variant.
Genome position (GRCh38, 1-based): chr1:216,251,039, C>A on the plus strand (G>T on the coding strand, the complement: USH2A is on the minus strand). VCF-style: chr1-216251039-C-A. GRCh37 (hg19) VCF-style: chr1-216424381-C-A.
Other names: c.2031G>T, p.Gln677His (NM_007123.6); c.2031G>T (NM_206933.2); short protein forms Q677H.
Identifiers: ClinVar variation 874386 (VCV000874386.9), dbSNP rs753305011, ClinGen allele CA1396323.